The following is an entry in ClinVar:

ClinVar aggregate classification (germline): Uncertain significance (1 of 4 stars; one submission).

Conditions:
Encephalopathy, acute, infection-induced (herpes-specific), susceptibility to, 1. Also called: Herpes simplex encephalitis, susceptibility to, 1. Identifiers: Orphanet 1930, MedGen C2750180, MONDO:0024563, OMIM 610551.

gnomAD v4.1: 1 of 1,614,126 alleles (0.000062%); highest among the groups gnomAD compares: Non-Finnish European, 0.000085%; no homozygotes.

Submission:

Labcorp Genetics (formerly Invitae), Labcorp
Classification: Uncertain significance for Encephalopathy, acute, infection-induced (herpes-specific), susceptibility to, 1. Last evaluated: 2022-02-11. Review status: criteria provided, single submitter. Criteria: Invitae Variant Classification Sherloc (09022015). Collection method: clinical testing. Allele origin: germline.
Comment: This variant is not present in population databases (gnomAD no frequency). This variant has not been reported in the literature in individuals affected with TLR3-related conditions. ClinVar contains an entry for this variant (Variation ID: 1011112). In summary, the available evidence is currently insufficient to determine the role of this variant in disease. Therefore, it has been classified as a Variant of Uncertain Significance. This sequence change creates a premature translational stop signal (p.Lys139*) in the TLR3 gene. It is expected to result in an absent or disrupted protein product. However, the current clinical and genetic evidence is not sufficient to establish whether loss-of-function variants in TLR3 cause disease.

NM_003265.3(TLR3):c.415A>T (p.Lys139Ter)

Gene: TLR3 (toll like receptor 3; plus strand). Cytogenetic location: 4q35.1.
Variant type: single nucleotide variant.
Coding change: c.415A>T on transcript NM_003265.3 (MANE Select); coding-DNA position 415, A replaced by T.
Protein change: p.Lys139Ter; replaces lysine 139 with a stop codon.
Molecular consequence: nonsense.
Genome position (GRCh38, 1-based): chr4:186,077,034, A>T. VCF-style: chr4-186077034-A-T. GRCh37 (hg19) VCF-style: chr4-186998188-A-T.
Other names: short protein forms K139*.
Identifiers: ClinVar variation 1011112 (VCV001011112.7), dbSNP rs2099302564, ClinGen allele CA359107992.